The following is an entry in ClinVar:

NM_000548.5(TSC2):c.4134C>T (p.Pro1378=)

Gene: TSC2 (TSC complex subunit 2; plus strand). Cytogenetic location: 16p13.3.
Variant type: single nucleotide variant.
Coding change: c.4134C>T on transcript NM_000548.5 (MANE Select); coding-DNA position 4134, C replaced by T.
Protein change: p.Pro1378=; no amino-acid change (proline 1378 retained).
Molecular consequence: synonymous variant.
Genome position (GRCh38, 1-based): chr16:2,084,356, C>T. VCF-style: chr16-2084356-C-T. GRCh37 (hg19) VCF-style: chr16-2134357-C-T.
Other names: c.3933C>T, p.Pro1311= (NM_001077183.3); c.4065C>T, p.Pro1355= (NM_001114382.3); c.3825C>T, p.Pro1275= (NM_001318827.2); c.3789C>T, p.Pro1263= (NM_001318829.2); c.3402C>T, p.Pro1134= (NM_001318831.2); c.3966C>T, p.Pro1322= (NM_001318832.2); c.3936C>T, p.Pro1312= (NM_001363528.2); c.4002C>T, p.Pro1334= (NM_001370404.1); and 1 more.
Identifiers: ClinVar variation 413618 (VCV000413618.12), dbSNP rs1060504081, ClinGen allele CA16615152.

ClinVar aggregate classification (germline): Benign/Likely benign. Review status: criteria provided, multiple submitters, no conflicts (2 of 4 stars). 3 submissions from 3 submitters: Benign (1); Likely benign (2). Last evaluated 2025-06-02.

Conditions:
Hereditary cancer-predisposing syndrome. Also called: Tumor predisposition; Neoplastic Syndromes, Hereditary; Hereditary Cancer Syndrome; Hereditary neoplastic syndrome. Identifiers: Orphanet 140162, MedGen C0027672, MeSH D009386, MONDO:0015356.
Tuberous sclerosis 2 (TSC2). Identifiers: Orphanet 805, MedGen C1860707, MONDO:0013199, OMIM 613254.

Allele frequency attached by ClinVar (database versions not stated): gnomAD exomes below 0.00001.
gnomAD v4.1: 1 of 1,612,670 alleles (0.000062%); highest among the groups gnomAD compares: Non-Finnish European, 0.000085%; no homozygotes.

Submissions (3):

Myriad Genetics, Inc.
Classification: Benign for Tuberous sclerosis 2. Last evaluated: 2025-06-02. Review status: criteria provided, single submitter. Criteria: Myriad Autosomal Dominant, Autosomal Recessive and X-Linked Classification Criteria (2023). Collection method: clinical testing. Allele origin: unknown.
Comment: This variant is considered benign. This variant is a silent/synonymous amino acid change and it is not expected to impact splicing.

Ambry Genetics
Classification: Likely benign for Hereditary cancer-predisposing syndrome. Last evaluated: 2022-10-12. Review status: criteria provided, single submitter. Criteria: Ambry Variant Classification Scheme 2023. Collection method: clinical testing. Allele origin: germline.

Labcorp Genetics (formerly Invitae), Labcorp
Classification: Likely benign for Tuberous sclerosis 2. Last evaluated: 2016-10-12. Review status: criteria provided, single submitter. Criteria: Invitae Variant Classification Sherloc (09022015). Collection method: clinical testing. Allele origin: germline.